The following is an entry in ClinVar:

ClinVar aggregate classification (germline): Uncertain significance. Review status: criteria provided, multiple submitters, no conflicts (2 of 4 stars). 2 submissions from 2 submitters: Uncertain significance (2). Last evaluated 2022-09-13.

Conditions:
Alstrom syndrome (ALMS). Identifiers: Orphanet 64, MedGen C0268425, MONDO:0008763, OMIM 203800.

Submissions (2):

Labcorp Genetics (formerly Invitae), Labcorp
Classification: Uncertain significance for Alstrom syndrome. Last evaluated: 2022-09-13. Review status: criteria provided, single submitter. Criteria: Invitae Variant Classification Sherloc (09022015). Collection method: clinical testing. Allele origin: germline.
Comment: This sequence change creates a premature translational stop signal (p.Lys4133Glufs*24) in the ALMS1 gene. While this is not anticipated to result in nonsense mediated decay, it is expected to disrupt the last 37 amino acid(s) of the ALMS1 protein. This variant is present in population databases (rs776401197, gnomAD 0.0009%). This variant has not been reported in the literature in individuals affected with ALMS1-related conditions. ClinVar contains an entry for this variant (Variation ID: 1475862). Experimental studies and prediction algorithms are not available or were not evaluated, and the functional significance of this variant is currently unknown. In summary, the available evidence is currently insufficient to determine the role of this variant in disease. Therefore, it has been classified as a Variant of Uncertain Significance.

Fulgent Genetics
Classification: Uncertain significance for Alstrom syndrome. Last evaluated: 2021-08-25. Review status: criteria provided, single submitter. Criteria: ACMG Guidelines, 2015. Collection method: clinical testing. Allele origin: unknown.

NM_001378454.1(ALMS1):c.12394_12397del (p.Lys4132fs)

Gene: ALMS1 (ALMS1 centrosome and basal body associated protein; plus strand). Cytogenetic location: 2p13.1.
Variant type: Deletion.
Coding change: c.12394_12397del on transcript NM_001378454.1 (MANE Select); coding-DNA positions 12394 to 12397, 4 bases deleted (AAGA; older notation c.12394_12397delAAGA).
Protein change: p.Lys4132fs; shifts the reading frame from lysine 4132.
Molecular consequence: frameshift variant.
Genome position (GRCh38, 1-based): chr2:73,608,506-73,608,509, AAGA deleted; deleting any 4 consecutive bases within chr2:73,608,505-73,608,509 gives the same sequence; the c. name uses the placement nearest the transcript's 3' end. VCF-style (leftmost placement, unchanged base first): chr2-73608504-AAAAG-A. GRCh37 (hg19) VCF-style: chr2-73835631-AAAAG-A.
Other names: c.12397_12400del, p.Lys4133fs (NM_015120.4); short protein forms K4133fs, K4132fs.
Identifiers: ClinVar variation 1475862 (VCV001475862.4), dbSNP rs776401197, ClinGen allele CA1715568.